The following is an entry in ClinVar:

ClinVar aggregate classification (germline): Uncertain significance. Review status: criteria provided, multiple submitters, no conflicts (2 of 4 stars). 5 submissions from 5 submitters: Uncertain significance (4). 1 of the submissions does not count toward it. Last evaluated 2026-03-23.

Conditions:
Cerebellar atrophy with seizures and variable developmental delay. Identifiers: MedGen C5193132, MONDO:0032788, OMIM 618501.
Inborn genetic diseases. Identifiers: MedGen C0950123, MeSH D030342.
Developmental and epileptic encephalopathy. Identifiers: MedGen C5779964, MONDO:0100620.

Allele frequency attached by ClinVar (database versions not stated): gnomAD exomes below 0.00001; TOPMed below 0.00001; gnomAD 0.00001.

Submissions (5):

GeneDx
Classification: Uncertain significance. Last evaluated: 2026-03-23. Review status: criteria provided, single submitter. Criteria: GeneDx Variant Classification Process June 2021. Collection method: clinical testing. Allele origin: germline.
Comment: Not observed at significant frequency in large population cohorts (gnomAD); In silico analysis supports that this missense variant has a deleterious effect on protein structure/function; This variant is associated with the following publications: (PMID: 31402629, 39161180, 32607809, 30410802)

Women's Health and Genetics/Laboratory Corporation of America, LabCorp
Classification: Uncertain significance. Last evaluated: 2024-07-08. Review status: criteria provided, single submitter. Criteria: LabCorp Variant Classification Summary - May 2015. Collection method: clinical testing. Allele origin: germline.
Comment: Variant summary: CACNA2D2 c.782C>T (p.Pro261Leu) results in a non-conservative amino acid change located in the VWA N-terminal domain (IPR013608) of the encoded protein sequence. Five of five in-silico tools predict a damaging effect of the variant on protein function. The variant allele was found at a frequency of 4e-06 in 250148 control chromosomes. The available data on variant occurrences in the general population are insufficient to allow any conclusion about variant significance. c.782C>T has been reported in the literature in a compound heterozygous individual affected with Cerebellar Atrophy With Seizures And Variable Developmental Delay (Butler_2018). These data do not allow clear conclusions about variant significance. To our knowledge, no experimental evidence demonstrating an impact on protein function has been reported. The following publication have been ascertained in the context of this evaluation (PMID: 30410802). ClinVar contains an entry for this variant (Variation ID: 530501). Based on the evidence outlined above, the variant was classified as uncertain significance.

Labcorp Genetics (formerly Invitae), Labcorp
Classification: Uncertain significance for Early-infantile DEE. Last evaluated: 2023-07-17. Review status: criteria provided, single submitter. Criteria: Invitae Variant Classification Sherloc (09022015). Collection method: clinical testing. Allele origin: germline.
Comment: This sequence change replaces proline, which is neutral and non-polar, with leucine, which is neutral and non-polar, at codon 261 of the CACNA2D2 protein (p.Pro261Leu). This variant is present in population databases (no rsID available, gnomAD 0.007%). This missense change has been observed in individual(s) with epileptic encephalopathy and cerebellar atrophy (PMID: 30410802). ClinVar contains an entry for this variant (Variation ID: 530501). An algorithm developed to predict the effect of missense changes on protein structure and function (PolyPhen-2) suggests that this variant is likely to be disruptive. In summary, the available evidence is currently insufficient to determine the role of this variant in disease. Therefore, it has been classified as a Variant of Uncertain Significance.

Ambry Genetics
Classification: Uncertain significance for Inborn genetic diseases. Last evaluated: 2021-06-18. Review status: criteria provided, single submitter. Criteria: Ambry Variant Classification Scheme 2023. Collection method: clinical testing. Allele origin: germline.

OMIM
Classification: Pathogenic for CEREBELLAR ATROPHY WITH SEIZURES AND VARIABLE DEVELOPMENTAL DELAY. Last evaluated: 2019-07-22. Review status: no assertion criteria provided. Collection method: literature only. Allele origin: germline. Not counted in ClinVar's aggregate classification.

Literature cited by the submitters: PubMed 30410802 (cited by 4 submitters).

NM_006030.4(CACNA2D2):c.782C>T (p.Pro261Leu)

Gene: CACNA2D2 (calcium voltage-gated channel auxiliary subunit alpha2delta 2; minus strand). Cytogenetic location: 3p21.31.
Variant type: single nucleotide variant.
Coding change: c.782C>T on transcript NM_006030.4 (MANE Select); coding-DNA position 782, C replaced by T.
Protein change: p.Pro261Leu; replaces proline 261 with leucine.
Molecular consequence: missense variant.
Genome position (GRCh38, 1-based): chr3:50,380,997, G>A on the plus strand (C>T on the coding strand, the complement: CACNA2D2 is on the minus strand). VCF-style: chr3-50380997-G-A. GRCh37 (hg19) VCF-style: chr3-50418428-G-A.
Other names: c.782C>T, p.Pro261Leu (NM_001005505.3, NM_001174051.3); c.575C>T, p.Pro192Leu (NM_001291101.1); c.782C>T (NM_001174051.1); short protein forms P261L, P192L.
Identifiers: ClinVar variation 530501 (VCV000530501.9), dbSNP rs1211603072, ClinGen allele CA352939391.